The following is an entry in ClinVar:

ClinVar aggregate classification (germline): Pathogenic (1 of 4 stars; one submission).

Conditions:
Lynch syndrome 5 (LYNCH5). Also called: Colorectal cancer, hereditary nonpolyposis, type 5; Hereditary non-polyposis colorectal cancer, type 5. Identifiers: Orphanet 144, MedGen C1833477, MONDO:0013710, OMIM 614350. Disease mechanism: loss of function.

Submission:

Myriad Genetics, Inc.
Classification: Pathogenic for Lynch syndrome 5. Last evaluated: 2023-08-10. Review status: criteria provided, single submitter. Criteria: Myriad Autosomal Dominant, Autosomal Recessive and X-Linked Classification Criteria (2023). Collection method: clinical testing. Allele origin: unknown.
Comment: This variant is considered pathogenic. This variant creates a frameshift predicted to result in premature protein truncation.

NM_000179.3(MSH6):c.506dup (p.Pro170fs)

Gene: MSH6 (mutS homolog 6; plus strand). Cytogenetic location: 2p16.3.
Variant type: Duplication.
Coding change: c.506dup on transcript NM_000179.3 (MANE Select); coding-DNA position 506, one base duplicated (A; older notation c.506dupA).
Protein change: p.Pro170fs; shifts the reading frame from proline 170.
Molecular consequence: frameshift variant. On other transcripts: 5 prime UTR variant (5), non-coding transcript variant (5), intron variant (8).
Genome position (GRCh38, 1-based): chr2:47,795,942, A duplicated; the last of 3 consecutive A bases (chr2:47,795,940-47,795,942); duplicating any one gives the same sequence. VCF-style (leftmost placement, unchanged base first): chr2-47795939-C-CA. GRCh37 (hg19) VCF-style: chr2-48023078-C-CA.
Other names: c.-397dup (NM_001281494.2); c.602dup, p.Pro202fs (NM_001406795.1, NM_001406802.1); c.506dup, p.Pro170fs (NM_001406796.1, NM_001406798.1, NM_001406800.1 and 5 more transcripts); c.209dup, p.Pro71fs (NM_001406797.1, NM_001406801.1, NM_001406805.1 and 10 more transcripts); c.-20dup (NM_001406799.1, NM_001406806.1, NM_001406807.1); c.428dup, p.Pro144fs (NM_001406804.1); c.512dup, p.Pro172fs (NM_001406813.1); c.-489dup (NM_001406814.1); and 3 more; short protein forms P114fs, P144fs, P170fs, P172fs, P202fs, P71fs.
Identifiers: ClinVar variation 2673769 (VCV002673769.1), dbSNP rs2530517488, ClinGen allele CA2695200231.